The following is an entry in ClinVar:

ClinVar aggregate classification (germline): Uncertain significance. Review status: criteria provided, multiple submitters, no conflicts (2 of 4 stars). 2 submissions from 2 submitters: Uncertain significance (2). Last evaluated 2025-07-15.

Conditions:
Primary dilated cardiomyopathy (DCM). Also called: Dilated Cardiomyopathy. Identifiers: Orphanet 217604, MedGen C0007193, MeSH D002311, MONDO:0005021, HP:0001644. Inheritance: Various modes of inheritance.
Cardiovascular phenotype. Identifiers: MedGen CN230736.

Allele frequency attached by ClinVar (database versions not stated): TOPMed below 0.00001.
gnomAD v4.1: 2 of 1,528,418 alleles (0.00013%); highest among the groups gnomAD compares: Non-Finnish European, 0.00017%; no homozygotes.

Submissions (2):

Labcorp Genetics (formerly Invitae), Labcorp
Classification: Uncertain significance for Primary dilated cardiomyopathy. Last evaluated: 2025-07-15. Review status: criteria provided, single submitter. Criteria: Invitae Variant Classification Sherloc (09022015). Collection method: clinical testing. Allele origin: germline.
Comment: This sequence change replaces alanine, which is neutral and non-polar, with valine, which is neutral and non-polar, at codon 7 of the TXNRD2 protein (p.Ala7Val). The frequency data for this variant in the population databases is considered unreliable, as metrics indicate poor data quality at this position in the gnomAD database. This variant has not been reported in the literature in individuals affected with TXNRD2-related conditions. ClinVar contains an entry for this variant (Variation ID: 1785878). An algorithm developed to predict the effect of missense changes on protein structure and function (PolyPhen-2) suggests that this variant is likely to be disruptive. In summary, the available evidence is currently insufficient to determine the role of this variant in disease. Therefore, it has been classified as a Variant of Uncertain Significance.

Ambry Genetics
Classification: Uncertain significance for Cardiovascular phenotype. Last evaluated: 2021-08-10. Review status: criteria provided, single submitter. Criteria: Ambry Variant Classification Scheme 2023. Collection method: clinical testing. Allele origin: germline.
Comment: The p.A7V variant (also known as c.20C>T), located in coding exon 1 of the TXNRD2 gene, results from a C to T substitution at nucleotide position 20. The alanine at codon 7 is replaced by valine, an amino acid with similar properties. This amino acid position is conserved. In addition, this alteration is predicted to be tolerated by in silico analysis. Since supporting evidence is limited at this time, the clinical significance of this alteration remains unclear.

NM_006440.5(TXNRD2):c.20C>T (p.Ala7Val)

Genes: COMT (catechol-O-methyltransferase; plus strand), TXNRD2 (thioredoxin reductase 2; minus strand). Cytogenetic location: 22q11.21.
Variant type: single nucleotide variant.
Coding change: c.20C>T on transcript NM_006440.5 (MANE Select); coding-DNA position 20, C replaced by T.
Protein change: p.Ala7Val; replaces alanine 7 with valine.
Molecular consequence: missense variant. On other transcripts: non-coding transcript variant (1), 5 prime UTR variant (2).
Genome position (GRCh38, 1-based): chr22:19,941,784, G>A on the plus strand (C>T on the coding strand, the complement: TXNRD2 is on the minus strand). VCF-style: chr22-19941784-G-A. GRCh37 (hg19) VCF-style: chr22-19929307-G-A.
Other names: c.20C>T, p.Ala7Val (NM_001282512.3, NM_001352300.2); c.-205G>A (NM_000754.4); c.-499G>A (NM_001362828.2); short protein forms A7V.
Identifiers: ClinVar variation 1785878 (VCV001785878.4), dbSNP rs1230683925, ClinGen allele CA410700145.